The following is an entry in ClinVar:

ClinVar aggregate classification (germline): Conflicting classifications of pathogenicity. Review status: criteria provided, conflicting classifications (1 of 4 stars). 4 submissions from 4 submitters: Uncertain significance (1); Likely benign (3). Last evaluated 2025-08-16.

Conditions:
Brugada syndrome 5 (BRGDA5). Identifiers: Orphanet 130, Orphanet 871, MedGen C2748541, MONDO:0013015, OMIM 612838.
Cardiovascular phenotype. Identifiers: MedGen CN230736.

Allele frequency attached by ClinVar (database versions not stated): ExAC 0.00001; gnomAD 0.00001; gnomAD exomes 0.00001; TOPMed 0.00001.
gnomAD v4.1: 14 of 1,613,920 alleles (0.00087%); highest among the groups gnomAD compares: South Asian, 0.0055%; no homozygotes.

Submissions (4):

Labcorp Genetics (formerly Invitae), Labcorp
Classification: Uncertain significance for Brugada syndrome 5. Last evaluated: 2025-08-16. Review status: criteria provided, single submitter. Criteria: Invitae Variant Classification Sherloc (09022015). Collection method: clinical testing. Allele origin: germline.
Comment: This sequence change replaces serine, which is neutral and polar, with leucine, which is neutral and non-polar, at codon 152 of the SCN1B protein (p.Ser152Leu). This variant is present in population databases (rs748379474, gnomAD 0.006%). This variant has not been reported in the literature in individuals affected with SCN1B-related conditions. ClinVar contains an entry for this variant (Variation ID: 378521). An algorithm developed to predict the effect of missense changes on protein structure and function outputs the following: PolyPhen-2: "Benign". The leucine amino acid residue is found in multiple mammalian species, which suggests that this missense change does not adversely affect protein function. In summary, the available evidence is currently insufficient to determine the role of this variant in disease. Therefore, it has been classified as a Variant of Uncertain Significance.

Ambry Genetics
Classification: Likely benign for Cardiovascular phenotype. Last evaluated: 2024-11-21. Review status: criteria provided, single submitter. Criteria: Ambry Variant Classification Scheme 2023. Collection method: clinical testing. Allele origin: germline.

Blueprint Genetics
Classification: Likely benign. Last evaluated: 2021-09-27. Review status: criteria provided, single submitter. Criteria: ACMG Guidelines, 2015. Collection method: clinical testing. Allele origin: germline.

GeneDx
Classification: Likely benign. Last evaluated: 2019-08-08. Review status: criteria provided, single submitter. Criteria: GeneDx Variant Classification Process June 2021. Collection method: clinical testing. Allele origin: germline. Affected: yes.

NM_001037.5(SCN1B):c.448+7C>T

Gene: SCN1B (sodium voltage-gated channel beta subunit 1; plus strand). Cytogenetic location: 19q13.11.
Variant type: single nucleotide variant.
Coding change: c.448+7C>T on transcript NM_001037.5 (MANE Select); 7 bases into the intron after coding-DNA position 448, C replaced by T.
Molecular consequence: intron variant. On other transcripts: missense variant (1).
Genome position (GRCh38, 1-based): chr19:35,033,746, C>T. VCF-style: chr19-35033746-C-T. GRCh37 (hg19) VCF-style: chr19-35524650-C-T.
Other names: c.455C>T, p.Ser152Leu (NM_199037.5); c.349+7C>T (NM_001321605.2); short protein forms S152L.
Identifiers: ClinVar variation 378521 (VCV000378521.16), dbSNP rs748379474, ClinGen allele CA9372019.